The following is an entry in ClinVar:

ClinVar aggregate classification (germline): Benign/Likely benign. Review status: criteria provided, multiple submitters, no conflicts (2 of 4 stars). 4 submissions from 4 submitters: Benign (1); Likely benign (2). 1 of the submissions does not count toward it. Last evaluated 2025-12-19.

Conditions:
TENT5A-related disorder. Also called: TENT5A-related condition.

Allele frequency attached by ClinVar (database versions not stated): 1000 Genomes Project 30x 0.00016; ESP Exome Variant Server 0.00077; TOPMed 0.00084.

Submissions (4):

Labcorp Genetics (formerly Invitae), Labcorp
Classification: Benign. Last evaluated: 2025-12-19. Review status: criteria provided, single submitter. Criteria: Invitae Variant Classification Sherloc (09022015). Collection method: clinical testing. Allele origin: germline.

CeGaT Center for Human Genetics Tuebingen
Classification: Likely benign. Last evaluated: 2025-12-01. Review status: criteria provided, single submitter. Criteria: CeGaT Center For Human Genetics Tuebingen Variant Classification Criteria Version 2. Collection method: clinical testing. Allele origin: germline. Affected: yes. Observed: 2 variant alleles.
Comment: TENT5A: BS2

Blueprint Genetics
Classification: Likely benign. Last evaluated: 2024-11-15. Review status: criteria provided, single submitter. Criteria: ACMG Guidelines, 2015. Collection method: clinical testing. Allele origin: germline.

PreventionGenetics, part of Exact Sciences
Classification: Likely benign for TENT5A-related condition. Last evaluated: 2024-08-29. Review status: no assertion criteria provided. Collection method: clinical testing. Allele origin: germline. Not counted in ClinVar's aggregate classification.
Comment: This variant is classified as likely benign based on ACMG/AMP sequence variant interpretation guidelines (Richards et al. 2015 PMID: 25741868, with internal and published modifications).

NM_017633.3(TENT5A):c.335G>T (p.Arg112Leu)

Gene: TENT5A (terminal nucleotidyltransferase 5A; minus strand). Cytogenetic location: 6q14.1.
Variant type: single nucleotide variant.
Coding change: c.335G>T on transcript NM_017633.3 (MANE Select); coding-DNA position 335, G replaced by T.
Protein change: p.Arg112Leu; replaces arginine 112 with leucine.
Molecular consequence: missense variant.
Genome position (GRCh38, 1-based): chr6:81,751,807, C>A on the plus strand (G>T on the coding strand, the complement: TENT5A is on the minus strand). VCF-style: chr6-81751807-C-A. GRCh37 (hg19) VCF-style: chr6-82461524-C-A.
Other names: short protein forms R112L.
Identifiers: ClinVar variation 714041 (VCV000714041.34), dbSNP rs144803443, ClinGen allele CA3903021.